The following is an entry in ClinVar:

ClinVar aggregate classification (germline): Likely benign. Review status: criteria provided, single submitter (1 of 4 stars). 2 submissions from 2 submitters: Likely benign (1). 1 of the submissions does not count toward it. Last evaluated 2025-11-02.

Conditions:
GANAB-related disorder. Also called: GANAB-related condition.

Allele frequency attached by ClinVar (database versions not stated): TOPMed 0.00003; gnomAD 0.00004; ExAC 0.00005.

Submissions (2):

Labcorp Genetics (formerly Invitae), Labcorp
Classification: Likely benign. Last evaluated: 2025-11-02. Review status: criteria provided, single submitter. Criteria: Invitae Variant Classification Sherloc (09022015). Collection method: clinical testing. Allele origin: germline.

PreventionGenetics, part of Exact Sciences
Classification: Likely benign for GANAB-related condition. Last evaluated: 2019-04-26. Review status: no assertion criteria provided. Collection method: clinical testing. Allele origin: germline. Not counted in ClinVar's aggregate classification.
Comment: This variant is classified as likely benign based on ACMG/AMP sequence variant interpretation guidelines (Richards et al. 2015 PMID: 25741868, with internal and published modifications).

NM_198334.3(GANAB):c.990C>T (p.Ala330=)

Gene: GANAB (glucosidase II alpha subunit; minus strand). Cytogenetic location: 11q12.3.
Variant type: single nucleotide variant.
Coding change: c.990C>T on transcript NM_198334.3 (MANE Select); coding-DNA position 990, C replaced by T.
Protein change: p.Ala330=; no amino-acid change (alanine 330 retained).
Molecular consequence: synonymous variant.
Genome position (GRCh38, 1-based): chr11:62,632,571, G>A on the plus strand (C>T on the coding strand, the complement: GANAB is on the minus strand). VCF-style: chr11-62632571-G-A. GRCh37 (hg19) VCF-style: chr11-62400043-G-A.
Other names: c.714C>T, p.Ala238= (NM_001278192.2); c.648C>T, p.Ala216= (NM_001278193.2); c.699C>T, p.Ala233= (NM_001278194.2, NM_001329222.2, NM_001329223.2); c.267C>T, p.Ala89= (NM_001329224.2, NM_001329225.2); c.1056C>T, p.Ala352= (NM_198335.4); c.1056C>T (NM_198335.3).
Identifiers: ClinVar variation 1935683 (VCV001935683.7), dbSNP rs776848094, ClinGen allele CA6050902.